The following is an entry in ClinVar:

NM_030665.4(RAI1):c.2195C>T (p.Thr732Ile)

Gene: RAI1 (retinoic acid induced 1; plus strand). Cytogenetic location: 17p11.2.
Variant type: single nucleotide variant.
Coding change: c.2195C>T on transcript NM_030665.4 (MANE Select); coding-DNA position 2195, C replaced by T.
Protein change: p.Thr732Ile; replaces threonine 732 with isoleucine.
Molecular consequence: missense variant.
Genome position (GRCh38, 1-based): chr17:17,795,143, C>T. VCF-style: chr17-17795143-C-T. GRCh37 (hg19) VCF-style: chr17-17698457-C-T.
Other names: c.2195C>T (NM_030665.3); short protein forms T732I.
Identifiers: ClinVar variation 2908134 (VCV002908134.4), dbSNP rs753384175, ClinGen allele CA398550434.

ClinVar aggregate classification (germline): Uncertain significance. Review status: criteria provided, multiple submitters, no conflicts (2 of 4 stars). 2 submissions from 2 submitters: Uncertain significance (2). Last evaluated 2025-03-20.

Conditions:
RAI1-related disorder. Also called: RAI1-related condition.

Allele frequency attached by ClinVar (database versions not stated): TOPMed below 0.00001.

Submissions (2):

PreventionGenetics, part of Exact Sciences
Classification: Uncertain significance for RAI1-related condition. Last evaluated: 2025-03-20. Review status: criteria provided, single submitter. Criteria: ACMG Guidelines, 2015. Collection method: clinical testing. Allele origin: germline.
Comment: The RAI1 c.2195C>T variant is predicted to result in the amino acid substitution p.Thr732Ile. To our knowledge, this variant has not been reported in the literature or in a large population database (gnomAD), indicating this variant is rare. At this time, the clinical significance of this variant is uncertain due to the absence of conclusive functional and genetic evidence.

Labcorp Genetics (formerly Invitae), Labcorp
Classification: Uncertain significance. Last evaluated: 2023-04-12. Review status: criteria provided, single submitter. Criteria: Invitae Variant Classification Sherloc (09022015). Collection method: clinical testing. Allele origin: germline.
Comment: This sequence change replaces threonine, which is neutral and polar, with isoleucine, which is neutral and non-polar, at codon 732 of the RAI1 protein (p.Thr732Ile). This variant is not present in population databases (gnomAD no frequency). This variant has not been reported in the literature in individuals affected with RAI1-related conditions. Advanced modeling of protein sequence and biophysical properties (such as structural, functional, and spatial information, amino acid conservation, physicochemical variation, residue mobility, and thermodynamic stability) performed at Invitae indicates that this missense variant is not expected to disrupt RAI1 protein function. In summary, the available evidence is currently insufficient to determine the role of this variant in disease. Therefore, it has been classified as a Variant of Uncertain Significance.